The following is an entry in ClinVar:

ClinVar aggregate classification (germline): Pathogenic/Likely pathogenic. Review status: criteria provided, multiple submitters, no conflicts (2 of 4 stars). 2 submissions from 2 submitters: Pathogenic (1); Likely pathogenic (1). Last evaluated 2023-12-07.

Conditions:
CREBBP-related disorder. Also called: CREBBP-related condition; CREBBP-related disorders.
Inborn genetic diseases. Identifiers: MedGen C0950123, MeSH D030342.

Submissions (2):

Blueprint Genetics
Classification: Likely pathogenic for CREBBP-related disorders. Last evaluated: 2023-12-07. Review status: criteria provided, single submitter. Criteria: ACMG Guidelines, 2015. Collection method: clinical testing. Allele origin: germline. Affected: yes. Observed: 1 variant allele.

Ambry Genetics
Classification: Pathogenic for Inborn genetic diseases. Last evaluated: 2014-09-30. Review status: criteria provided, single submitter. Criteria: Ambry Variant Classification Scheme 2023. Collection method: clinical testing. Allele origin: germline.
Comment: The c.4409A>G (p.H1470R) alteration is located in exon 27 (coding exon 27) of the CREBBP gene. This alteration results from a A to G substitution at nucleotide position 4409, causing the histidine (H) at amino acid position 1470 to be replaced by an arginine (R). The alteration is not observed in healthy cohorts:_x000D_ Based on data from the NHLBI Exome Sequencing Project (ESP), the CREBBP c.4409A>G alteration was not observed among 6,497 individuals tested. Allele frequency data for this nucleotide position are not currently available from the 1000 Genomes Project and the alteration is not currently listed in the Database of Single Nucleotide Polymorphisms (dbSNP). Though some variants may appear to be rare due to database-specific ethnic underrepresentation, rare missense alleles commonly exhibit a deleterious effect on protein function (Kryukov, 2007; Tennessen, 2012). IF USED, PULL THESE INTO REFERENCES:_x000D_ Kryukov GV, et al. (2007) Am J Hum Genet 80:727-739. Tennessen JA, et al. (2012) Science 337(64):64-69. The amino acid change has been observed in affected individuals: _x000D_ This missense alteration has been previously reported in one individual with a clinical diagnosis of RSTS (Roelfsema, 2005). No parental samples were available to determine inheritance status. The altered amino acid is conserved throughout evolution:_x000D_ The p.H1470 amino acid is completely conserved in available vertebrate species. The amino acid is located in a functionally important protein domain:_x000D_ The p.H1470R amino acid is located in the highly-conserved histone acetyl transferase (HAT) domain, which is important in the regulation of transcription. Within the HAT domain of CBP, two functionally important regions have been identified. One of these regions (amino acids 1459&ndash;1541) is postulated to be the coenzyme A (CoA) binding site (Kalkhoven, 2003). Functional analysis reveals a damaging effect of the amino acid alteration: _x000D_ Functional analysis of a missense alteration at the corrsponding position in the mouse CBP protein (H1471) demonstrated a reduction in histone acetyltransferase activity and activation potential (Martinez-Balbas, 1998). The alteration is predicted deleterious by in silico models:_x000D_ The p.H1470R alteration is predicted to be probably damaging by Polyphen and deleterious by SIFT in silico analyses. Based on the available evidence, this alteration is classified as pathogenic.

NM_004380.3(CREBBP):c.4409A>G (p.His1470Arg)

Gene: CREBBP (CREB binding lysine acetyltransferase; minus strand). Cytogenetic location: 16p13.3.
Variant type: single nucleotide variant.
Coding change: c.4409A>G on transcript NM_004380.3 (MANE Select); coding-DNA position 4409, A replaced by G.
Protein change: p.His1470Arg; replaces histidine 1470 with arginine.
Molecular consequence: missense variant.
Genome position (GRCh38, 1-based): chr16:3,736,801, T>C on the plus strand (A>G on the coding strand, the complement: CREBBP is on the minus strand). VCF-style: chr16-3736801-T-C. GRCh37 (hg19) VCF-style: chr16-3786802-T-C.
Other names: c.4295A>G, p.His1432Arg (NM_001079846.1); short protein forms H1470R, H1432R.
Identifiers: ClinVar variation 208655 (VCV000208655.6), dbSNP rs797044860, ClinGen allele CA204617.